The following is an entry in ClinVar:

NM_015214.3(DDHD2):c.994A>G (p.Thr332Ala)

Gene: DDHD2 (DDHD domain containing 2; plus strand). Cytogenetic location: 8p11.23.
Variant type: single nucleotide variant.
Coding change: c.994A>G on transcript NM_015214.3 (MANE Select); coding-DNA position 994, A replaced by G.
Protein change: p.Thr332Ala; replaces threonine 332 with alanine.
Molecular consequence: missense variant. On other transcripts: non-coding transcript variant (2).
Genome position (GRCh38, 1-based): chr8:38,245,887, A>G. VCF-style: chr8-38245887-A-G. GRCh37 (hg19) VCF-style: chr8-38103405-A-G.
Other names: c.994A>G, p.Thr332Ala (NM_001164232.2, NM_001362911.2, NM_001362912.2 and 1 more transcripts); c.904A>G, p.Thr302Ala (NM_001362913.2); short protein forms T302A, T332A.
Identifiers: ClinVar variation 4009989 (VCV004009989.2).

ClinVar aggregate classification (germline): Uncertain significance. Review status: criteria provided, multiple submitters, no conflicts (2 of 4 stars). 2 submissions from 2 submitters: Uncertain significance (2). Last evaluated 2025-12-20.

Conditions:
Inborn genetic diseases. Identifiers: MedGen C0950123, MeSH D030342.
Hereditary spastic paraplegia 54. Also called: Spastic paraplegia 54, autosomal recessive. Identifiers: Orphanet 320380, MedGen C3539495, MONDO:0014018, OMIM 615033.

gnomAD v4.1: 7 of 1,613,970 alleles (0.00043%); highest among the groups gnomAD compares: Admixed American, 0.0017%; no homozygotes.

Submissions (2):

Labcorp Genetics (formerly Invitae), Labcorp
Classification: Uncertain significance for Hereditary spastic paraplegia 54. Last evaluated: 2025-12-20. Review status: criteria provided, single submitter. Criteria: Invitae Variant Classification Sherloc (09022015). Collection method: clinical testing. Allele origin: germline.
Comment: This sequence change replaces threonine, which is neutral and polar, with alanine, which is neutral and non-polar, at codon 332 of the DDHD2 protein (p.Thr332Ala). This variant is present in population databases (rs781142042, gnomAD 0.004%). This variant has not been reported in the literature in individuals affected with DDHD2-related conditions. ClinVar contains an entry for this variant (Variation ID: 4009989). Invitae Evidence Modeling of protein sequence and biophysical properties (such as structural, functional, and spatial information, amino acid conservation, physicochemical variation, residue mobility, and thermodynamic stability) indicates that this missense variant is not expected to disrupt DDHD2 protein function with a negative predictive value of 80%. In summary, the available evidence is currently insufficient to determine the role of this variant in disease. Therefore, it has been classified as a Variant of Uncertain Significance.

Ambry Genetics
Classification: Uncertain significance for Inborn genetic diseases. Last evaluated: 2025-03-22. Review status: criteria provided, single submitter. Criteria: Ambry Variant Classification Scheme 2023. Collection method: clinical testing. Allele origin: germline.